The following is an entry in ClinVar:

NM_021971.4(GMPPB):c.656T>C (p.Ile219Thr)

Gene: GMPPB (GDP-mannose pyrophosphorylase B; minus strand). Cytogenetic location: 3p21.31.
Variant type: single nucleotide variant.
Coding change: c.656T>C on transcript NM_021971.4 (MANE Select); coding-DNA position 656, T replaced by C.
Protein change: p.Ile219Thr; replaces isoleucine 219 with threonine.
Molecular consequence: missense variant.
Genome position (GRCh38, 1-based): chr3:49,722,343, A>G on the plus strand (T>C on the coding strand, the complement: GMPPB is on the minus strand). VCF-style: chr3-49722343-A-G. GRCh37 (hg19) VCF-style: chr3-49759776-A-G.
Other names: c.656T>C, p.Ile219Thr (NM_013334.4); short protein forms I219T.
Identifiers: ClinVar variation 575991 (VCV000575991.57), dbSNP rs761714818, ClinGen allele CA2405474.

ClinVar aggregate classification (germline): Pathogenic/Likely pathogenic. Review status: criteria provided, multiple submitters, no conflicts (2 of 4 stars). 9 submissions from 9 submitters: Pathogenic (5); Likely pathogenic (3). 1 of the submissions does not count toward it. Last evaluated 2026-08-06.

Conditions:
Muscular dystrophy-dystroglycanopathy (congenital with brain and eye anomalies), type A14. Also called: Congenital Muscular Dystrophy-Dystroglycanopathy with Brain and Eye Anomalies Type A 14; Congenital muscular dystrophy-dystroglycanopathy with brain and eye anomalies, type A14; Muscular dystrophy-dystroglycanopathy (congenital with brain and eye anomalies), type a, 14; WALKER-WARBURG SYNDROME OR MUSCLE-EYE-BRAIN DISEASE, GMPPB-RELATED. Identifiers: Orphanet 588, MedGen C3809216, MONDO:0014140, OMIM 615350.
Muscular dystrophy-dystroglycanopathy (congenital with impaired intellectual development), type B, 14. Also called: Congenital muscular dystrophy-dystroglycanopathy with mental retardation, type B14; MUSCULAR DYSTROPHY, CONGENITAL, GMPPB-RELATED; Muscular dystrophy-dystroglycanopathy (congenital with intellectual disability), type B14. Identifiers: MedGen C3809221, MONDO:0014141, OMIM 615351.
Autosomal recessive limb-girdle muscular dystrophy type 2T. Also called: Limb-girdle muscular dystrophy-dystroglycanopathy, type C14; Muscular dystrophy-dystroglycanopathy (limb-girdle), type c, 14; MUSCULAR DYSTROPHY-DYSTROGLYCANOPATHY, LIMB-GIRDLE, GMPPB-RELATED; MUSCULAR DYSTROPHY, LIMB-GIRDLE, TYPE 2T. Identifiers: Orphanet 363623, MedGen C4518000, MONDO:0014142, OMIM 615352.
Abnormality of the musculature. Identifiers: MedGen C4021745, HP:0003011.
Other rare neuromuscular disorders.
GMPPB-related disorder. Also called: GMPPB-related condition; GMPPB-related disorders.

Allele frequency attached by ClinVar (database versions not stated): gnomAD 0.00004 and 0.00005; gnomAD exomes 0.00006 and 0.00009; ExAC 0.00007; TOPMed 0.00008.
gnomAD v4.1: 141 of 1,613,790 alleles (0.0087%); highest among the groups gnomAD compares: Non-Finnish European, 0.011%; no homozygotes.

Submissions (9):

NHS Central & South Genomic Laboratory Hub
Classification: Pathogenic for Other rare neuromuscular disorders. Last evaluated: 2026-08-06. Review status: criteria provided, single submitter. Criteria: ACMG Guidelines, 2015. Collection method: clinical testing. Allele origin: germline. Affected: yes.

Labcorp Genetics (formerly Invitae), Labcorp
Classification: Pathogenic for Autosomal recessive limb-girdle muscular dystrophy type 2T; Muscular dystrophy-dystroglycanopathy (congenital with brain and eye anomalies), type A14; Muscular dystrophy-dystroglycanopathy (congenital with impaired intellectual development), type B, 14. Last evaluated: 2025-09-08. Review status: criteria provided, single submitter. Criteria: Invitae Variant Classification Sherloc (09022015). Collection method: clinical testing. Allele origin: germline.
Comment: This sequence change replaces isoleucine, which is neutral and non-polar, with threonine, which is neutral and polar, at codon 219 of the GMPPB protein (p.Ile219Thr). This variant is present in population databases (rs761714818, gnomAD 0.01%). This missense change has been observed in individuals with alpha-dystroglycanopathy and congenital muscular dystrophy (PMID: 24780531, 26133662, 26310427; internal data). It has also been observed to segregate with disease in related individuals. ClinVar contains an entry for this variant (Variation ID: 575991). Invitae Evidence Modeling of protein sequence and biophysical properties (such as structural, functional, and spatial information, amino acid conservation, physicochemical variation, residue mobility, and thermodynamic stability) indicates that this missense variant is not expected to disrupt GMPPB protein function with a negative predictive value of 80%. For these reasons, this variant has been classified as Pathogenic.

GeneDx
Classification: Pathogenic. Last evaluated: 2025-05-20. Review status: criteria provided, single submitter. Criteria: GeneDx Variant Classification Process June 2021. Collection method: clinical testing. Allele origin: germline. Affected: yes.
Comment: Observed multiple times with a pathogenic variant in unrelated patients at GeneDx and in published literature with alpha-dystroglycanopathy, but it is not known whether the variants occurred on the same (in cis) or on different (in trans) chromosomes in some cases (PMID: 24780531, 26133662, 26310427, 30257713); Published functional studies demonstrate a damaging effect with decreased enzymatic activity as compared to wild type (PMID: 35006422); Not observed at significant frequency in large population cohorts (gnomAD); In silico analysis supports that this missense variant has a deleterious effect on protein structure/function; This variant is associated with the following publications: (PMID: 24780531, 26133662, 30684953, 26310427, 30257713, 34758253, 35006422)

Revvity Omics, Revvity
Classification: Likely pathogenic. Last evaluated: 2025-04-02. Review status: criteria provided, single submitter. Criteria: ACMG Guidelines, 2015. Collection method: clinical testing. Allele origin: germline.

CeGaT Center for Human Genetics Tuebingen
Classification: Pathogenic. Last evaluated: 2024-07-01. Review status: criteria provided, single submitter. Criteria: CeGaT Center For Human Genetics Tuebingen Variant Classification Criteria Version 2. Collection method: clinical testing. Allele origin: germline. Affected: yes. Observed: 1 variant allele.
Comment: GMPPB: PM3:Very Strong, PM2, PP1, PS3:Supporting

Blueprint Genetics
Classification: Pathogenic for GMPPB-related disorders. Last evaluated: 2023-06-27. Review status: criteria provided, single submitter. Criteria: ACMG Guidelines, 2015. Collection method: clinical testing. Allele origin: germline. Affected: yes. Observed: 3 variant alleles.

Women's Health and Genetics/Laboratory Corporation of America, LabCorp
Classification: Likely pathogenic for GMPPB-Related Disorders. Last evaluated: 2023-03-13. Review status: criteria provided, single submitter. Criteria: LabCorp Variant Classification Summary - May 2015. Collection method: clinical testing. Allele origin: germline.
Comment: Variant summary: GMPPB c.656T>C (p.Ile219Thr) results in a non-conservative amino acid change located in the Nucleotidyl transferase domain (IPR005835) of the encoded protein sequence. Four of five in-silico tools predict a damaging effect of the variant on protein function. The variant allele was found at a frequency of 6.4e-05 in 251086 control chromosomes. This frequency does not allow conclusions about variant significance. c.656T>C has been reported in the literature as a compound heterzygous genotype in individuals affected with features of GMPPB-Related Disorders such as alpha-dystroglycanopathy, congenital muscular dystrophy, brain abnormalities and generalized epilepsy (example, PMID: 26133662, 26310427, 35006422, 24780531, 28688748). These data indicate that the variant is likely to be associated with disease. At least one publication reports experimental evidence evaluating an impact on protein function (example, PMID: 35006422). The most pronounced variant effect results in 40% of normal GDP-mannose pyrophosphorylase B (GMPPB) activity in-vitro. Four clinical diagnostic laboratories have submitted clinical-significance assessments for this variant to ClinVar after 2014 without evidence for independent evaluation. All laboratories classified the variant as pathogenic/likely pathogenic. Based on the evidence outlined above, the variant was classified as likely pathogenic.

Kariminejad - Najmabadi Pathology & Genetics Center
Classification: Likely pathogenic for Abnormality of the musculature. Last evaluated: 2021-07-10. Review status: criteria provided, single submitter. Criteria: ACMG Guidelines, 2015. Collection method: clinical testing. Allele origin: germline. Affected: yes.

Genomics England Pilot Project, Genomics England
Classification: Likely pathogenic for Muscular dystrophy-dystroglycanopathy (congenital with brain and eye anomalies), type A14. Review status: no assertion criteria provided. Criteria: ACGS Guidelines, 2016. Collection method: clinical testing. Allele origin: germline. Affected: yes. Not counted in ClinVar's aggregate classification.

Literature cited by the submitters: PubMed 24780531 (cited by Labcorp Genetics (formerly Invitae), Labcorp and Women's Health and Genetics/Laboratory Corporation of America, LabCorp); PubMed 26133662 (cited by Labcorp Genetics (formerly Invitae), Labcorp and Women's Health and Genetics/Laboratory Corporation of America, LabCorp); PubMed 26310427 (cited by Labcorp Genetics (formerly Invitae), Labcorp and Women's Health and Genetics/Laboratory Corporation of America, LabCorp); PubMed 28688748 (cited by Women's Health and Genetics/Laboratory Corporation of America, LabCorp); PubMed 35006422 (cited by Women's Health and Genetics/Laboratory Corporation of America, LabCorp).